The following is an entry in ClinVar:

NM_019066.5(MAGEL2):c.2941C>G (p.Leu981Val)

Gene: MAGEL2 (MAGE family member L2; minus strand). Cytogenetic location: 15q11.2.
Variant type: single nucleotide variant.
Coding change: c.2941C>G on transcript NM_019066.5 (MANE Select); coding-DNA position 2941, C replaced by G.
Protein change: p.Leu981Val; replaces leucine 981 with valine.
Molecular consequence: missense variant.
Genome position (GRCh38, 1-based): chr15:23,644,802, G>C on the plus strand (C>G on the coding strand, the complement: MAGEL2 is on the minus strand). VCF-style: chr15-23644802-G-C. GRCh37 (hg19) VCF-style: chr15-23889949-G-C.
Other names: short protein forms L981V.
Identifiers: ClinVar variation 3776569 (VCV003776569.1).

ClinVar aggregate classification (germline): Uncertain significance (1 of 4 stars; one submission).

Submission:

GeneDx
Classification: Uncertain significance. Last evaluated: 2024-10-03. Review status: criteria provided, single submitter. Criteria: GeneDx Variant Classification Process June 2021. Collection method: clinical testing. Allele origin: germline. Affected: yes.
Comment: Not observed at significant frequency in large population cohorts (gnomAD); In silico analysis indicates that this missense variant does not alter protein structure/function; Has not been previously published as pathogenic or benign to our knowledge